The following is an entry in ClinVar:

NM_005148.4(UNC119):c.338G>A (p.Arg113Gln)

Gene: UNC119 (unc-119 lipid binding chaperone; minus strand). Cytogenetic location: 17q11.2.
Variant type: single nucleotide variant.
Coding change: c.338G>A on transcript NM_005148.4 (MANE Select); coding-DNA position 338, G replaced by A.
Protein change: p.Arg113Gln; replaces arginine 113 with glutamine.
Molecular consequence: missense variant.
Genome position (GRCh38, 1-based): chr17:28,548,098, C>T on the plus strand (G>A on the coding strand, the complement: UNC119 is on the minus strand). VCF-style: chr17-28548098-C-T. GRCh37 (hg19) VCF-style: chr17-26875116-C-T.
Other names: c.53G>A, p.Arg18Gln (NM_001330166.2); c.338G>A, p.Arg113Gln (NM_054035.2); short protein forms R113Q, R18Q.
Identifiers: ClinVar variation 2962140 (VCV002962140.3), dbSNP rs778398457, ClinGen allele CA8459828.

ClinVar aggregate classification (germline): Uncertain significance (1 of 4 stars; one submission).

Allele frequency attached by ClinVar (database versions not stated): gnomAD exomes 0.00002; gnomAD 0.00003; TOPMed 0.00003; ExAC 0.00004.
gnomAD v4.1: 35 of 1,612,738 alleles (0.0022%); highest among the groups gnomAD compares: African/African-American, 0.0027%; no homozygotes.

Submission:

Labcorp Genetics (formerly Invitae), Labcorp
Classification: Uncertain significance. Last evaluated: 2024-03-28. Review status: criteria provided, single submitter. Criteria: Invitae Variant Classification Sherloc (09022015). Collection method: clinical testing. Allele origin: germline.
Comment: This sequence change replaces arginine, which is basic and polar, with glutamine, which is neutral and polar, at codon 113 of the UNC119 protein (p.Arg113Gln). This variant is present in population databases (rs778398457, gnomAD 0.004%). This variant has not been reported in the literature in individuals affected with UNC119-related conditions. An algorithm developed to predict the effect of missense changes on protein structure and function (PolyPhen-2) suggests that this variant is likely to be disruptive. Algorithms developed to predict the effect of sequence changes on RNA splicing suggest that this variant may create or strengthen a splice site. In summary, the available evidence is currently insufficient to determine the role of this variant in disease. Therefore, it has been classified as a Variant of Uncertain Significance.